The following is an entry in ClinVar:

NM_000059.4(BRCA2):c.3333T>A (p.Ile1111=)

Gene: BRCA2 (BRCA2 DNA repair associated; plus strand). Cytogenetic location: 13q13.1.
Variant type: single nucleotide variant.
Coding change: c.3333T>A on transcript NM_000059.4 (MANE Select); coding-DNA position 3333, T replaced by A.
Protein change: p.Ile1111=; no amino-acid change (isoleucine 1111 retained).
Molecular consequence: synonymous variant.
Genome position (GRCh38, 1-based): chr13:32,337,688, T>A. VCF-style: chr13-32337688-T-A. GRCh37 (hg19) VCF-style: chr13-32911825-T-A.
Identifiers: ClinVar variation 236848 (VCV000236848.10), dbSNP rs878853566, ClinGen allele CA10583087.

ClinVar aggregate classification (germline): Likely benign. Review status: reviewed by expert panel (3 of 4 stars). 2 submissions from 2 submitters: Likely benign (1). 1 of the submissions does not count toward it. Last evaluated 2017-06-29.

Conditions:
Hereditary breast ovarian cancer syndrome. Also called: Hereditary breast and ovarian cancer; Breast and ovarian cancer; BRCA1- and BRCA2-Associated Hereditary Breast and Ovarian Cancer; Hereditary breast and ovarian cancer syndrome; Hereditary breast and ovarian cancer syndrome (HBOC); Hereditary breast and/or ovarian cancer syndrome. Identifiers: Orphanet 145, MedGen C0677776, MeSH D061325, MONDO:0003582. Disease mechanism: loss of function.
Breast-ovarian cancer, familial, susceptibility to, 2 (BROVCA2). Also called: BRCA2 Hereditary Breast and Ovarian Cancer. Identifiers: Orphanet 145, MedGen C2675520, MONDO:0012933, OMIM 612555. Disease mechanism: loss of function.

Submissions (2):

Evidence-based Network for the Interpretation of Germline Mutant Alleles (ENIGMA)
Classification: Likely benign for Breast-ovarian cancer, familial, susceptibility to, 2. Last evaluated: 2017-06-29. Review status: reviewed by expert panel. Criteria: ENIGMA BRCA1/2 Classification Criteria (2017-06-29). Collection method: curation. Allele origin: germline.
Comment: Synonymous substitution variant, with low bioinformatic likelihood to result in a splicing aberration (Splicing prior probability 0.02).

Labcorp Genetics (formerly Invitae), Labcorp
Classification: Likely benign for Hereditary breast ovarian cancer syndrome. Last evaluated: 2022-09-01. Review status: criteria provided, single submitter. Criteria: Invitae Variant Classification Sherloc (09022015). Collection method: clinical testing. Allele origin: germline. Not counted in ClinVar's aggregate classification.